The following is an entry in ClinVar:

ClinVar aggregate classification (germline): Likely benign. Review status: reviewed by expert panel (3 of 4 stars). 2 submissions from 2 submitters: Likely benign (1). 1 of the submissions does not count toward it. Last evaluated 2017-06-29.

Conditions:
Breast-ovarian cancer, familial, susceptibility to, 2 (BROVCA2). Also called: BRCA2 Hereditary Breast and Ovarian Cancer. Identifiers: Orphanet 145, MedGen C2675520, MONDO:0012933, OMIM 612555. Disease mechanism: loss of function.

Submissions (2):

Evidence-based Network for the Interpretation of Germline Mutant Alleles (ENIGMA)
Classification: Likely benign for Breast-ovarian cancer, familial, susceptibility to, 2. Last evaluated: 2017-06-29. Review status: reviewed by expert panel. Criteria: ENIGMA BRCA1/2 Classification Criteria (2017-06-29). Collection method: curation. Allele origin: germline.
Comment: Synonymous substitution variant, with low bioinformatic likelihood to result in a splicing aberration (Splicing prior probability 0.02).

Women's Health and Genetics/Laboratory Corporation of America, LabCorp
Classification: Likely benign. Last evaluated: 2024-09-20. Review status: criteria provided, single submitter. Criteria: LabCorp Variant Classification Summary - May 2015. Collection method: clinical testing. Allele origin: germline. Not counted in ClinVar's aggregate classification.

NM_000059.4(BRCA2):c.1401G>A (p.Lys467=)

Gene: BRCA2 (BRCA2 DNA repair associated; plus strand). Cytogenetic location: 13q13.1.
Variant type: single nucleotide variant.
Coding change: c.1401G>A on transcript NM_000059.4 (MANE Select); coding-DNA position 1401, G replaced by A.
Protein change: p.Lys467=; no amino-acid change (lysine 467 retained).
Molecular consequence: synonymous variant.
Genome position (GRCh38, 1-based): chr13:32,332,879, G>A. VCF-style: chr13-32332879-G-A. GRCh37 (hg19) VCF-style: chr13-32907016-G-A.
Identifiers: ClinVar variation 427398 (VCV000427398.4), dbSNP rs276174808, ClinGen allele CA483436521.
Genomic context (GRCh38, chr13:32,332,879, plus strand): 5'-ACGTATTTCTAGCCTACCAAAATCAGAGAAGCCATTAAATGAGGAAACAGTGGTAAATAA[G>A]AGAGATGAAGAGCAGCATCTTGAATCTCATACAGACTGCATTCTTGCAGTAAAGCAGGCA-3'
Protein context (NP_000050.3, residues 457-477): KPLNEETVVN[Lys467=]RDEEQHLESH